The following is an entry in ClinVar:

ClinVar aggregate classification (germline): Likely pathogenic (1 of 4 stars; one submission).

Conditions:
Wilson disease (WND). Also called: Wilson's disease. Identifiers: Orphanet 905, MedGen C0019202, MONDO:0010200, OMIM 277900. Disease mechanism: loss of function.

Submission:

Neuberg Centre For Genomic Medicine, NCGM
Classification: Likely pathogenic for Wilson disease. Last evaluated: 2023-06-02. Review status: criteria provided, single submitter. Criteria: ACMG Guidelines, 2015. Collection method: clinical testing. Allele origin: germline. Inheritance: Autosomal recessive inheritance. Affected: yes.
Comment: The observed frameshift variant c.3871del(p.Ala1291ProfsTer39) in the ATP7B gene has not been reported previously as a pathogenic variant nor as a benign variant, to our knowledge. This variant is absent in the gnomAD Exomes. This variant causes a frameshift starting with codon Alanine 1291, changes this amino acid to Proline residue, and creates a premature Stop codon at position 39 of the new reading frame, denoted p.Ala1291ProfsTer39. This variant is predicted to cause loss of normal protein function through protein truncation. Loss of function variants have been previously reported to be disease causing. For these reasons, this variant has been classified as Likely Pathogenic.

NM_000053.4(ATP7B):c.3871del (p.Ala1291fs)

Gene: ATP7B (ATPase copper transporting beta; minus strand). Cytogenetic location: 13q14.3.
Variant type: Deletion.
Coding change: c.3871del on transcript NM_000053.4 (MANE Select); coding-DNA position 3871, one base deleted (G; older notation c.3871delG).
Protein change: p.Ala1291fs; shifts the reading frame from alanine 1291.
Molecular consequence: frameshift variant. On other transcripts: intron variant (1).
Genome position (GRCh38, 1-based): chr13:51,937,508, C deleted on the plus strand (G on the coding strand, the reverse complement: ATP7B is on the minus strand); the first of 2 consecutive C bases (chr13:51,937,508-51,937,509); deleting either gives the same sequence. VCF-style (leftmost placement, unchanged base first): chr13-51937507-GC-G. GRCh37 (hg19) VCF-style: chr13-52511643-GC-G.
Other names: c.3250del, p.Ala1084fs (NM_001005918.3); c.3538del, p.Ala1180fs (NM_001243182.2); c.3637del, p.Ala1213fs (NM_001330578.2, NM_001406527.1, NM_001406528.1); c.3619del, p.Ala1207fs (NM_001330579.2, NM_001406531.1, NM_001406532.1); c.3871del, p.Ala1291fs (NM_001406511.1, NM_001406512.1); c.3865del, p.Ala1289fs (NM_001406513.1); c.3838del, p.Ala1280fs (NM_001406514.1); c.3817del, p.Ala1273fs (NM_001406515.1, NM_001406516.1); and 21 more; short protein forms A1010fs, A1064fs, A1075fs, A1084fs, A1097fs, A1127fs, A1129fs, A1142fs.
Identifiers: ClinVar variation 3362264 (VCV003362264.3).